The following is an entry in ClinVar:

NM_001903.5(CTNNA1):c.2697G>C (p.Glu899Asp)

Gene: CTNNA1 (catenin alpha 1; plus strand). Cytogenetic location: 5q31.2.
Variant type: single nucleotide variant.
Coding change: c.2697G>C on transcript NM_001903.5 (MANE Select); coding-DNA position 2697, G replaced by C.
Protein change: p.Glu899Asp; replaces glutamic acid 899 with aspartic acid.
Molecular consequence: missense variant. On other transcripts: 3 prime UTR variant (5).
Genome position (GRCh38, 1-based): chr5:138,934,065, G>C. VCF-style: chr5-138934065-G-C. GRCh37 (hg19) VCF-style: chr5-138269754-G-C.
Other names: c.*242G>C (NM_001290307.3, NM_001324002.1, NM_001324003.1 and 2 more transcripts); c.2388G>C, p.Glu796Asp (NM_001290309.3); c.2328G>C, p.Glu776Asp (NM_001290310.3); c.1587G>C, p.Glu529Asp (NM_001290312.1, NM_001323997.1, NM_001323998.1 and 12 more transcripts); c.2697G>C, p.Glu899Asp (NM_001323982.2, NM_001323983.1, NM_001323984.2); c.2670G>C, p.Glu890Asp (NM_001323985.2); c.2604G>C, p.Glu868Asp (NM_001323986.2); c.1452G>C, p.Glu484Asp (NM_001324001.1); and 3 more; short protein forms E484D, E498D, E796D, E868D, E529D, E416D, E890D, E899D.
Identifiers: ClinVar variation 1385989 (VCV001385989.6), dbSNP rs774921598, ClinGen allele CA3432286.

ClinVar aggregate classification (germline): Uncertain significance (1 of 4 stars; one submission).

Allele frequency attached by ClinVar (database versions not stated): gnomAD exomes below 0.00001; ExAC 0.00001.
gnomAD v4.1: 2 of 1,613,036 alleles (0.00012%); highest among the groups gnomAD compares: Non-Finnish European, 0.00017%; no homozygotes.

Submission:

Labcorp Genetics (formerly Invitae), Labcorp
Classification: Uncertain significance. Last evaluated: 2025-11-24. Review status: criteria provided, single submitter. Criteria: Invitae Variant Classification Sherloc (09022015). Collection method: clinical testing. Allele origin: germline.
Comment: This sequence change replaces glutamic acid, which is acidic and polar, with aspartic acid, which is acidic and polar, at codon 899 of the CTNNA1 protein (p.Glu899Asp). This variant is present in population databases (rs774921598, gnomAD 0.0009%). This variant has not been reported in the literature in individuals affected with CTNNA1-related conditions. ClinVar contains an entry for this variant (Variation ID: 1385989). Invitae Evidence Modeling of protein sequence and biophysical properties (such as structural, functional, and spatial information, amino acid conservation, physicochemical variation, residue mobility, and thermodynamic stability) indicates that this missense variant is not expected to disrupt CTNNA1 protein function with a negative predictive value of 80%. In summary, the available evidence is currently insufficient to determine the role of this variant in disease. Therefore, it has been classified as a Variant of Uncertain Significance.